The following is an entry in ClinVar:

NM_001143981.2(CHRDL1):c.674G>A (p.Arg225His)

Gene: CHRDL1 (chordin like 1; minus strand). Cytogenetic location: Xq23.
Variant type: single nucleotide variant.
Coding change: c.674G>A on transcript NM_001143981.2 (MANE Select); coding-DNA position 674, G replaced by A.
Protein change: p.Arg225His; replaces arginine 225 with histidine.
Molecular consequence: missense variant. On other transcripts: non-coding transcript variant (1).
Genome position (GRCh38, 1-based): chrX:110,694,267, C>T on the plus strand (G>A on the coding strand, the complement: CHRDL1 is on the minus strand). VCF-style: chrX-110694267-C-T. GRCh37 (hg19) VCF-style: chrX-109937495-C-T.
Other names: c.671G>A, p.Arg224His (NM_001143982.2, NM_001367207.1, NM_145234.4); c.434G>A, p.Arg145His (NM_001143983.3); c.674G>A, p.Arg225His (NM_001367204.1, NM_001367205.1, NM_001367206.1 and 2 more transcripts); c.674G>A (NM_001143981.1); short protein forms R145H, R224H, R225H.
Identifiers: ClinVar variation 4797736 (VCV004797736.2).
Genomic context (GRCh38, chrX:110,694,267, plus strand): 5'-GTTCCTGATGCTTGCTGGGAATCCATAAGAGCTCCCCGGTGACTTCTGGCCCCAGGAAAG[C>T]GGGACAGACCTCCAGCCTGTCGGCTTGGTGGAGGATCATAGTGAGAGCGGTGGTAAGAAT-3'
Protein context (NP_001137453.1, residues 215-235): PPSRQAGGLS[Arg225His]FPGARSHRGA

ClinVar aggregate classification (germline): Benign. Review status: criteria provided, multiple submitters, no conflicts (2 of 4 stars). 2 submissions from 2 submitters: Benign (2). Last evaluated 2026-07-15.

Conditions:
CHRDL1-related disorder. Also called: CHRDL1-related condition.

gnomAD v4.1: 438 of 1,207,187 alleles (0.036%); highest among the groups gnomAD compares: Admixed American, 0.063%; no homozygotes.

Submissions (2):

PreventionGenetics, part of Exact Sciences
Classification: Benign for CHRDL1-related condition. Last evaluated: 2026-07-15. Review status: criteria provided, single submitter. Criteria: ACMG Guidelines, 2015. Collection method: clinical testing. Allele origin: germline.
Comment: This variant is classified as benign based on ACMG/AMP sequence variant interpretation guidelines (Richards et al. 2015 PMID: 25741868, with internal and published modifications).

Labcorp Genetics (formerly Invitae), Labcorp
Classification: Benign. Last evaluated: 2025-06-10. Review status: criteria provided, single submitter. Criteria: Invitae Variant Classification Sherloc (09022015). Collection method: clinical testing. Allele origin: germline.